The following is an entry in ClinVar:

NM_004539.4(NARS1):c.965G>A (p.Arg322Gln)

Gene: NARS1 (asparaginyl-tRNA synthetase 1; minus strand). Cytogenetic location: 18q21.31.
Variant type: single nucleotide variant.
Coding change: c.965G>A on transcript NM_004539.4 (MANE Select); coding-DNA position 965, G replaced by A.
Protein change: p.Arg322Gln; replaces arginine 322 with glutamine.
Molecular consequence: missense variant.
Genome position (GRCh38, 1-based): chr18:57,607,170, C>T on the plus strand (G>A on the coding strand, the complement: NARS1 is on the minus strand). VCF-style: chr18-57607170-C-T. GRCh37 (hg19) VCF-style: chr18-55274402-C-T.
Other names: short protein forms R322Q.
Identifiers: ClinVar variation 3877658 (VCV003877658.2).
Genomic context (GRCh38, chr18:57,607,170, plus strand): 5'-TAAAACAAAAAGACAACTTCATACTCAGCCAGGTGCCTTCGTGTTCTGGACTGCTCTGCC[C>T]GGTATGACTGAGCAATACAAAAAACATCTCCCAGGGCTGGGAGGCAGGTCTCCAAGTACA-3'
Protein context (NP_004530.1, residues 312-332): GDVFCIAQSY[Arg322Gln]AEQSRTRRHL

ClinVar aggregate classification (germline): Uncertain significance (1 of 4 stars; one submission).

gnomAD v4.1: 2 of 1,613,992 alleles (0.00012%); highest among the groups gnomAD compares: Non-Finnish European, 0.00017%; no homozygotes.

Submission:

Ambry Genetics
Classification: Uncertain significance. Last evaluated: 2025-04-03. Review status: criteria provided, single submitter. Criteria: Ambry Variant Classification Scheme 2023. Collection method: clinical testing. Allele origin: germline.
Comment: The c.965G>A (p.R322Q) alteration is located in exon 9 (coding exon 9) of the NARS gene. This alteration results from a G to A substitution at nucleotide position 965, causing the arginine (R) at amino acid position 322 to be replaced by a glutamine (Q). This variant was not reported in population-based cohorts in the Genome Aggregation Database (gnomAD). Other variant(s) at the same codon, c.965G>T (p.R322L), have been identified in individual(s) with features consistent with NARS1-related neurologic disorders (Manole, 2020). This amino acid position is highly conserved in available vertebrate species. This alteration is predicted to be deleterious by in silico analysis. Based on insufficient or conflicting evidence, the clinical significance of this alteration remains unclear.

Literature cited by the submitters: PubMed 32738225.